The following is an entry in ClinVar:

ClinVar aggregate classification (germline): Pathogenic (1 of 4 stars; one submission).

Conditions:
Nemaline myopathy 2 (NEM2). Also called: Nemaline myopathy 2, autosomal recessive. Identifiers: MedGen C1850569, MONDO:0009725, OMIM 256030.

Submission:

Labcorp Genetics (formerly Invitae), Labcorp
Classification: Pathogenic for Nemaline myopathy 2. Last evaluated: 2021-08-18. Review status: criteria provided, single submitter. Criteria: Invitae Variant Classification Sherloc (09022015). Collection method: clinical testing. Allele origin: germline.
Comment: This sequence change creates a premature translational stop signal (p.Gly245Valfs*18) in the NEB gene. It is expected to result in an absent or disrupted protein product. Loss-of-function variants in NEB are known to be pathogenic (PMID: 25205138). This variant is not present in population databases (ExAC no frequency). This variant has not been reported in the literature in individuals affected with NEB-related conditions. For these reasons, this variant has been classified as Pathogenic.

Literature cited by the submitters: PubMed 25205138.

NM_001164508.2(NEB):c.732del (p.Gly245fs)

Gene: NEB (nebulin; minus strand). Cytogenetic location: 2q23.3.
Variant type: Deletion.
Coding change: c.732del on transcript NM_001164508.2 (MANE Select); coding-DNA position 732, one base deleted (A; older notation c.732delA).
Protein change: p.Gly245fs; shifts the reading frame from glycine 245.
Molecular consequence: frameshift variant.
Genome position (GRCh38, 1-based): chr2:151,717,506, T deleted on the plus strand (A on the coding strand, the reverse complement: NEB is on the minus strand); the first of 6 consecutive T bases (chr2:151,717,506-151,717,511); deleting any one gives the same sequence. VCF-style (leftmost placement, unchanged base first): chr2-151717505-CT-C. GRCh37 (hg19) VCF-style: chr2-152574019-CT-C.
Other names: c.732del, p.Gly245fs (NM_001164507.2, NM_001271208.2, NM_004543.5); short protein forms G245fs.
Identifiers: ClinVar variation 1395149 (VCV001395149.6), dbSNP rs1486623736, ClinGen allele CA645520303.